The following is an entry in ClinVar:

ClinVar aggregate classification (germline): Pathogenic (1 of 4 stars; one submission).

Conditions:
Primary ciliary dyskinesia. Also called: Ciliary dyskinesia. Identifiers: Orphanet 244, MedGen C0008780, MONDO:0016575, HP:0012265.

Submission:

Labcorp Genetics (formerly Invitae), Labcorp
Classification: Pathogenic for Primary ciliary dyskinesia. Last evaluated: 2019-10-10. Review status: criteria provided, single submitter. Criteria: Invitae Variant Classification Sherloc (09022015). Collection method: clinical testing. Allele origin: germline.
Comment: This sequence change creates a premature translational stop signal (p.Ser462Leufs*27) in the DNAI1 gene. It is expected to result in an absent or disrupted protein product. This variant is not present in population databases (ExAC no frequency). This variant has not been reported in the literature in individuals with DNAI1-related conditions. Loss-of-function variants in DNAI1 are known to be pathogenic (PMID: 16858015). For these reasons, this variant has been classified as Pathogenic.

Literature cited by the submitters: PubMed 16858015.

NM_012144.4(DNAI1):c.1383_1384del (p.Ser462fs)

Gene: DNAI1 (dynein axonemal intermediate chain 1; plus strand). Cytogenetic location: 9p13.3.
Variant type: Microsatellite.
Coding change: c.1383_1384del on transcript NM_012144.4 (MANE Select); coding-DNA positions 1383 to 1384, 2 bases deleted (GT; older notation c.1383_1384delGT).
Protein change: p.Ser462fs; shifts the reading frame from serine 462.
Molecular consequence: frameshift variant.
Genome position (GRCh38, 1-based): chr9:34,512,180-34,512,181, GT deleted; deleting any 2 consecutive bases within chr9:34,512,177-34,512,181 gives the same sequence; the c. name uses the placement nearest the transcript's 3' end. VCF-style (leftmost placement, unchanged base first): chr9-34512176-TTG-T. GRCh37 (hg19) VCF-style: chr9-34512174-TTG-T.
Other names: c.1395_1396del, p.Ser466fs (NM_001281428.2); short protein forms S462fs, S466fs.
Identifiers: ClinVar variation 969991 (VCV000969991.3), dbSNP rs1370523337, ClinGen allele CA587231296.